The following is an entry in ClinVar:

ClinVar aggregate classification (germline): Uncertain significance (1 of 4 stars; one submission).

Conditions:
Intellectual developmental disorder, X-linked, syndromic, Raymond type. Also called: Syndromic X-linked intellectual disability Raymond type. Identifiers: MedGen C3275406, MONDO:0010427, OMIM 300799.

Submission:

Laboratorio de Genetica e Diagnostico Molecular, Hospital Israelita Albert Einstein
Classification: Uncertain significance for Intellectual developmental disorder, X-linked, syndromic, Raymond type. Last evaluated: 2024-02-23. Review status: criteria provided, single submitter. Criteria: ACMG Guidelines, 2015. Collection method: clinical testing. Allele origin: germline. Affected: yes.
Comment: ACMG classification criteria: PM2 supporting, BP4 supporting

NM_016032.4(ZDHHC9):c.654A>G (p.Thr218=)

Gene: ZDHHC9 (zDHHC palmitoyltransferase 9; minus strand). Cytogenetic location: Xq26.1.
Variant type: single nucleotide variant.
Coding change: c.654A>G on transcript NM_016032.4 (MANE Select); coding-DNA position 654, A replaced by G.
Protein change: p.Thr218=; no amino-acid change (threonine 218 retained).
Molecular consequence: synonymous variant.
Genome position (GRCh38, 1-based): chrX:129,813,697, T>C on the plus strand (A>G on the coding strand, the complement: ZDHHC9 is on the minus strand). VCF-style: chrX-129813697-T-C. GRCh37 (hg19) VCF-style: chrX-128947673-T-C.
Other names: c.654A>G, p.Thr218= (NM_001008222.3).
Identifiers: ClinVar variation 4076338 (VCV004076338.1).